The following is an entry in ClinVar:

ClinVar aggregate classification (germline): Conflicting classifications of pathogenicity. Review status: criteria provided, conflicting classifications (1 of 4 stars). 5 submissions from 5 submitters: Uncertain significance (3); Likely benign (2). Last evaluated 2025-08-29.

Conditions:
Maturity-onset diabetes of the young type 4 (MODY4). Also called: Maturity-onset diabetes of the young, type IV; MODY, type IV. Identifiers: Orphanet 552, MedGen C1833382, MONDO:0011667, OMIM 606392.
Pancreatic agenesis 1 (PAGEN1). Also called: PANCREATIC HYPOPLASIA, CONGENITAL. Identifiers: Orphanet 2805, MedGen C3891828, MONDO:0024547, OMIM 260370.
Type 2 diabetes mellitus. Also called: Type II diabetes mellitus. Identifiers: MedGen C0011860, MeSH D003924, MONDO:0005148, OMIM 125853, HP:0005978.

Allele frequency attached by ClinVar (database versions not stated): ExAC below 0.00001; TOPMed 0.00013; gnomAD 0.00018 and 0.00019.

Submissions (5):

Labcorp Genetics (formerly Invitae), Labcorp
Classification: Uncertain significance. Last evaluated: 2025-08-29. Review status: criteria provided, single submitter. Criteria: Invitae Variant Classification Sherloc (09022015). Collection method: clinical testing. Allele origin: germline.
Comment: This sequence change replaces arginine, which is basic and polar, with glutamine, which is neutral and polar, at codon 283 of the PDX1 protein (p.Arg283Gln). This variant is present in population databases (rs754817283, gnomAD 0.05%). This missense change has been observed in individual(s) with gestational diabetes mellitus (PMID: 30663027). ClinVar contains an entry for this variant (Variation ID: 668654). An algorithm developed to predict the effect of missense changes on protein structure and function (PolyPhen-2) suggests that this variant is likely to be disruptive. In summary, the available evidence is currently insufficient to determine the role of this variant in disease. Therefore, it has been classified as a Variant of Uncertain Significance.

Blueprint Genetics
Classification: Uncertain significance. Last evaluated: 2024-09-09. Review status: criteria provided, single submitter. Criteria: ACMG Guidelines, 2015. Collection method: clinical testing. Allele origin: germline.

Department of Pathology and Laboratory Medicine, Sinai Health System
Classification: Uncertain significance for Type 2 diabetes mellitus; Pancreatic agenesis 1; Maturity-onset diabetes of the young type 4. Last evaluated: 2022-01-26. Review status: criteria provided, single submitter. Criteria: ACMG Guidelines, 2015. Collection method: research. Allele origin: germline.

Athena Diagnostics
Classification: Likely benign. Last evaluated: 2021-05-27. Review status: criteria provided, single submitter. Criteria: Athena Diagnostics criteria. Collection method: clinical testing. Allele origin: unknown.

GeneDx
Classification: Likely benign. Last evaluated: 2018-05-23. Review status: criteria provided, single submitter. Criteria: GeneDx Variant Classification (06012015). Collection method: clinical testing. Allele origin: germline. Affected: yes.
Comment: This variant is considered likely benign or benign based on one or more of the following criteria: it is a conservative change, it occurs at a poorly conserved position in the protein, it is predicted to be benign by multiple in silico algorithms, and/or has population frequency not consistent with disease.

Literature cited by the submitters: PubMed 30663027 (cited by Labcorp Genetics (formerly Invitae), Labcorp and Athena Diagnostics); PubMed 32041611 (cited by Athena Diagnostics); PubMed 33046911 (cited by Athena Diagnostics).

NM_000209.4(PDX1):c.848G>A (p.Arg283Gln)

Gene: PDX1 (pancreatic and duodenal homeobox 1; plus strand). Cytogenetic location: 13q12.2.
Variant type: single nucleotide variant.
Coding change: c.848G>A on transcript NM_000209.4 (MANE Select); coding-DNA position 848, G replaced by A.
Protein change: p.Arg283Gln; replaces arginine 283 with glutamine.
Molecular consequence: missense variant.
Genome position (GRCh38, 1-based): chr13:27,924,697, G>A. VCF-style: chr13-27924697-G-A. GRCh37 (hg19) VCF-style: chr13-28498834-G-A.
Other names: short protein forms R283Q.
Identifiers: ClinVar variation 668654 (VCV000668654.12), dbSNP rs754817283, ClinGen allele CA6927726.